The following is an entry in ClinVar:

ClinVar aggregate classification (germline): Uncertain significance (1 of 4 stars; one submission).

gnomAD v4.1: 1 of 1,613,962 alleles (0.000062%); highest among the groups gnomAD compares: South Asian, 0.0011%; no homozygotes.

Submission:

Ambry Genetics
Classification: Uncertain significance. Last evaluated: 2025-03-11. Review status: criteria provided, single submitter. Criteria: Ambry Variant Classification Scheme 2023. Collection method: clinical testing. Allele origin: germline.
Comment: The p.P133L variant (also known as c.398C>T), located in coding exon 1 of the TET2 gene, results from a C to T substitution at nucleotide position 398. The proline at codon 133 is replaced by leucine, an amino acid with similar properties. This amino acid position is conserved. In addition, this alteration is predicted to be tolerated by in silico analysis. Based on the available evidence, the clinical significance of this variant remains unclear.

NM_001127208.3(TET2):c.398C>T (p.Pro133Leu)

Genes: TET2 (tet methylcytosine dioxygenase 2; plus strand), TET2-AS1 (TET2 antisense RNA 1; minus strand). Cytogenetic location: 4q24.
Variant type: single nucleotide variant.
Coding change: c.398C>T on transcript NM_001127208.3 (MANE Select); coding-DNA position 398, C replaced by T.
Protein change: p.Pro133Leu; replaces proline 133 with leucine.
Molecular consequence: missense variant.
Genome position (GRCh38, 1-based): chr4:105,234,340, C>T. VCF-style: chr4-105234340-C-T. GRCh37 (hg19) VCF-style: chr4-106155497-C-T.
Other names: c.398C>T, p.Pro133Leu (NM_017628.4); short protein forms P133L.
Identifiers: ClinVar variation 3806120 (VCV003806120.1).
Genomic context (GRCh38, chr4:105,234,340, plus strand): 5'-AACAAGACCAAAAGGCTAATGGAGAAAGACGTAACTTCGGGGTAAGCCAAGAAAGAAATC[C>T]AGGTGAAAGCAGTCAACCAAATGTCTCCGATTTGAGTGATAAGAAAGAATCTGTGAGTTC-3'
Protein context (NP_001120680.1, residues 123-143): RNFGVSQERN[Pro133Leu]GESSQPNVSD